The following is an entry in ClinVar:

NM_000166.6(GJB1):c.238C>T (p.Gln80Ter)

Gene: GJB1 (gap junction protein beta 1; plus strand). Cytogenetic location: Xq13.1.
Variant type: single nucleotide variant.
Coding change: c.238C>T on transcript NM_000166.6 (MANE Select); coding-DNA position 238, C replaced by T.
Protein change: p.Gln80Ter; replaces glutamine 80 with a stop codon.
Molecular consequence: nonsense.
Genome position (GRCh38, 1-based): chrX:71,223,945, C>T. VCF-style: chrX-71223945-C-T. GRCh37 (hg19) VCF-style: chrX-70443795-C-T.
Other names: c.238C>T, p.Gln80Ter (NM_001097642.3); short protein forms Q80*.
Identifiers: ClinVar variation 637135 (VCV000637135.11), dbSNP rs1602348981, ClinGen allele CA413501620.

ClinVar aggregate classification (germline): Pathogenic/Likely pathogenic. Review status: criteria provided, multiple submitters, no conflicts (2 of 4 stars). 4 submissions from 4 submitters: Pathogenic (1); Likely pathogenic (1). 2 of the submissions do not count toward it. Last evaluated 2024-01-04.

Conditions:
Charcot-Marie-Tooth disease. Also called: Charcot-Marie-Tooth Hereditary Neuropathy; Charcot-Marie-Tooth Neuropathy. Identifiers: Orphanet 166, MedGen C0007959, MONDO:0015626.
Charcot-Marie-Tooth Neuropathy X. Identifiers: MedGen CN118851.
Charcot-Marie-Tooth disease X-linked dominant 1. Also called: Charcot-Marie-Tooth Neuropathy X Type 1; X-linked Charcot-Marie-Tooth disease type 1; GJB1 Disorders: Charcot-Marie-Tooth Neuropathy (CMT1X) and Central Nervous System Phenotypes; CHARCOT-MARIE-TOOTH NEUROPATHY, X-LINKED, 1; CHARCOT-MARIE-TOOTH PERONEAL MUSCULAR ATROPHY, X-LINKED; HEREDITARY MOTOR AND SENSORY NEUROPATHY, X-LINKED. Identifiers: Orphanet 101075, MedGen C0393808, MONDO:0010549, OMIM 302800.

Submissions (4):

Labcorp Genetics (formerly Invitae), Labcorp
Classification: Pathogenic for Charcot-Marie-Tooth Neuropathy X. Last evaluated: 2024-01-04. Review status: criteria provided, single submitter. Criteria: Invitae Variant Classification Sherloc (09022015). Collection method: clinical testing. Allele origin: germline.
Comment: This sequence change creates a premature translational stop signal (p.Gln80*) in the GJB1 gene. While this is not anticipated to result in nonsense mediated decay, it is expected to disrupt the last 204 amino acid(s) of the GJB1 protein. This variant is not present in population databases (gnomAD no frequency). This variant has not been reported in the literature in individuals affected with GJB1-related conditions. ClinVar contains an entry for this variant (Variation ID: 637135). This variant disrupts a region of the GJB1 protein in which other variant(s) (p.Leu115Profs*32, p.Arg220*, p.Asn175Lysfs*68) have been determined to be pathogenic (Invitae). This suggests that this is a clinically significant region of the protein, and that variants that disrupt it are likely to be disease-causing. For these reasons, this variant has been classified as Pathogenic.

Revvity Omics, Revvity
Classification: Likely pathogenic for Charcot-Marie-Tooth disease X-linked dominant 1. Last evaluated: 2023-12-12. Review status: criteria provided, single submitter. Criteria: ACMG Guidelines, 2015. Collection method: clinical testing. Allele origin: germline.

Inherited Neuropathy Consortium Ii, University Of Miami
Classification: Uncertain significance for Charcot-Marie-Tooth disease X-linked dominant 1. Last evaluated: 2017-06-08. Review status: no assertion criteria provided. Collection method: literature only. Allele origin: germline. Affected: yes. Not counted in ClinVar's aggregate classification.

Inherited Neuropathy Consortium
Classification: Uncertain significance for Charcot-Marie-Tooth disease. Review status: no assertion criteria provided. Collection method: literature only. Allele origin: germline. Affected: yes. Not counted in ClinVar's aggregate classification.

Literature cited by the submitters: PubMed 9361298 (cited by Inherited Neuropathy Consortium Ii, University Of Miami and Inherited Neuropathy Consortium).